The following is an entry in ClinVar:

NM_021076.4(NEFH):c.141C>T (p.Phe47=)

Gene: NEFH (neurofilament heavy chain; plus strand). Cytogenetic location: 22q12.2.
Variant type: single nucleotide variant.
Coding change: c.141C>T on transcript NM_021076.4 (MANE Select); coding-DNA position 141, C replaced by T.
Protein change: p.Phe47=; no amino-acid change (phenylalanine 47 retained).
Molecular consequence: synonymous variant.
Genome position (GRCh38, 1-based): chr22:29,480,403, C>T. VCF-style: chr22-29480403-C-T. GRCh37 (hg19) VCF-style: chr22-29876392-C-T.
Other names: c.141C>T (NM_021076.3).
Identifiers: ClinVar variation 809341 (VCV000809341.47), dbSNP rs780966618, ClinGen allele CA10173970.

ClinVar aggregate classification (germline): Conflicting classifications of pathogenicity. Review status: criteria provided, conflicting classifications (1 of 4 stars). 3 submissions from 3 submitters: Uncertain significance (1); Likely benign (1). 1 of the submissions does not count toward it. Last evaluated 2025-10-22.

Conditions:
NEFH-related disorder. Also called: NEFH-related condition.

Allele frequency attached by ClinVar (database versions not stated): TOPMed 0.00003; gnomAD 0.00004 and 0.00005; gnomAD exomes 0.00005 and 0.00008; ExAC 0.00009.
gnomAD v4.1: 69 of 1,535,578 alleles (0.0045%); highest among the groups gnomAD compares: South Asian, 0.0083%; no homozygotes.

Submissions (3):

Labcorp Genetics (formerly Invitae), Labcorp
Classification: Likely benign. Last evaluated: 2025-10-22. Review status: criteria provided, single submitter. Criteria: Invitae Variant Classification Sherloc (09022015). Collection method: clinical testing. Allele origin: germline.

CeGaT Center for Human Genetics Tuebingen
Classification: Uncertain significance. Last evaluated: 2016-12-01. Review status: criteria provided, single submitter. Criteria: CeGaT Center For Human Genetics Tuebingen Variant Classification Criteria Version 2. Collection method: clinical testing. Allele origin: germline. Affected: yes. Observed: 1 variant allele.

PreventionGenetics, part of Exact Sciences
Classification: Likely benign for NEFH-related condition. Last evaluated: 2024-06-02. Review status: no assertion criteria provided. Collection method: clinical testing. Allele origin: germline. Not counted in ClinVar's aggregate classification.
Comment: This variant is classified as likely benign based on ACMG/AMP sequence variant interpretation guidelines (Richards et al. 2015 PMID: 25741868, with internal and published modifications).